The following is an entry in ClinVar:

ClinVar aggregate classification (germline): Likely benign (0 of 4 stars; one submission).

Conditions:
DISP3-related disorder. Also called: DISP3-related condition.

Allele frequency attached by ClinVar (database versions not stated): TOPMed 0.00040; ESP Exome Variant Server 0.00062; gnomAD 0.00064; 1000 Genomes Project 30x 0.00203; ExAC 0.00203; 1000 Genomes Project 0.00220.
gnomAD v4.1: 1,580 of 1,612,700 alleles (0.098%); highest among the groups gnomAD compares: South Asian, 1.1%; 15 homozygotes.

Submission:

PreventionGenetics, part of Exact Sciences
Classification: Likely benign for DISP3-related condition. Last evaluated: 2020-12-21. Review status: no assertion criteria provided. Collection method: clinical testing. Allele origin: germline.
Comment: This variant is classified as likely benign based on ACMG/AMP sequence variant interpretation guidelines (Richards et al. 2015 PMID: 25741868, with internal and published modifications).

NM_020780.2(DISP3):c.1749+5G>A

Gene: DISP3 (dispatched RND transporter family member 3; plus strand). Cytogenetic location: 1p36.22.
Variant type: single nucleotide variant.
Coding change: c.1749+5G>A on transcript NM_020780.2 (MANE Select); 5 bases into the intron after coding-DNA position 1749, G replaced by A.
Molecular consequence: intron variant.
Genome position (GRCh38, 1-based): chr1:11,516,166, G>A. VCF-style: chr1-11516166-G-A. GRCh37 (hg19) VCF-style: chr1-11576223-G-A.
Identifiers: ClinVar variation 3050109 (VCV003050109.2), dbSNP rs139045678, ClinGen allele CA591731.